The following is an entry in ClinVar:

ClinVar aggregate classification (germline): Uncertain significance (1 of 4 stars; one submission).

Conditions:
Hematuria, benign familial, 1 (BFH1). Also called: THIN MEMBRANE NEPHROPATHY. Identifiers: MedGen CN376803, MONDO:0007709, OMIM 141200.

gnomAD v4.1: 1 of 1,611,238 alleles (0.000062%); highest among the groups gnomAD compares: Non-Finnish European, 0.000085%; no homozygotes.

Submission:

3billion
Classification: Uncertain significance for Hematuria, benign familial, 1. Last evaluated: 2023-06-14. Review status: criteria provided, single submitter. Criteria: ACMG Guidelines, 2015. Collection method: clinical testing. Allele origin: germline. Affected: yes.
Comment: The variant is not observed in the gnomAD v2.1.1 dataset. Predicted Consequence/Location: The variant is located in a mutational hot spot and/or well-established functional domain in which established pathogenic variants have been reported (PMID: 30311386, 27627812). In silico tool predictions suggest damaging effect of the variant on gene or gene product (REVEL: 0.99; 3Cnet: 0.87). Therefore, this variant is classified as VUS according to the recommendation of ACMG/AMP guideline.

NM_000092.5(COL4A4):c.3215G>T (p.Gly1072Val)

Gene: COL4A4 (collagen type IV alpha 4 chain; minus strand). Cytogenetic location: 2q36.3.
Variant type: single nucleotide variant.
Coding change: c.3215G>T on transcript NM_000092.5 (MANE Select); coding-DNA position 3215, G replaced by T.
Protein change: p.Gly1072Val; replaces glycine 1072 with valine.
Molecular consequence: missense variant.
Genome position (GRCh38, 1-based): chr2:227,047,549, C>A on the plus strand (G>T on the coding strand, the complement: COL4A4 is on the minus strand). VCF-style: chr2-227047549-C-A. GRCh37 (hg19) VCF-style: chr2-227912265-C-A.
Other names: short protein forms G1072V.
Identifiers: ClinVar variation 3775680 (VCV003775680.1).